The following is an entry in ClinVar:

ClinVar aggregate classification (germline): Uncertain significance (1 of 4 stars; one submission).

Conditions:
PLXNA1-related disorder. Also called: PLXNA1-related condition.

Allele frequency attached by ClinVar (database versions not stated): gnomAD exomes below 0.00001; ExAC 0.00001; TOPMed 0.00001.
gnomAD v4.1: 6 of 1,613,852 alleles (0.00037%); highest among the groups gnomAD compares: Non-Finnish European, 0.00051%; no homozygotes.

Submission:

PreventionGenetics, part of Exact Sciences
Classification: Uncertain significance for PLXNA1-related condition. Last evaluated: 2025-03-01. Review status: criteria provided, single submitter. Criteria: ACMG Guidelines, 2015. Collection method: clinical testing. Allele origin: germline.
Comment: The PLXNA1 c.2333A>G variant is predicted to result in the amino acid substitution p.Asp778Gly. To our knowledge, this variant has not been reported in the literature or in a large population database, indicating this variant is rare. At this time, the clinical significance of this variant is uncertain due to the absence of conclusive functional and genetic evidence.

NM_032242.4(PLXNA1):c.2333A>G (p.Asp778Gly)

Gene: PLXNA1 (plexin A1; plus strand). Cytogenetic location: 3q21.3.
Variant type: single nucleotide variant.
Coding change: c.2333A>G on transcript NM_032242.4 (MANE Select); coding-DNA position 2333, A replaced by G.
Protein change: p.Asp778Gly; replaces aspartic acid 778 with glycine.
Molecular consequence: missense variant.
Genome position (GRCh38, 1-based): chr3:127,014,039, A>G. VCF-style: chr3-127014039-A-G. GRCh37 (hg19) VCF-style: chr3-126732882-A-G.
Other names: short protein forms D778G.
Identifiers: ClinVar variation 2634058 (VCV002634058.2), dbSNP rs775638817, ClinGen allele CA2593587.